The following is an entry in ClinVar:

NM_007214.5(SEC63):c.778T>C (p.Tyr260His)

Gene: SEC63 (SEC63 protein translocation regulator; minus strand). Cytogenetic location: 6q21.
Variant type: single nucleotide variant.
Coding change: c.778T>C on transcript NM_007214.5 (MANE Select); coding-DNA position 778, T replaced by C.
Protein change: p.Tyr260His; replaces tyrosine 260 with histidine.
Molecular consequence: missense variant.
Genome position (GRCh38, 1-based): chr6:107,906,733, A>G on the plus strand (T>C on the coding strand, the complement: SEC63 is on the minus strand). VCF-style: chr6-107906733-A-G. GRCh37 (hg19) VCF-style: chr6-108227937-A-G.
Other names: short protein forms Y260H.
Identifiers: ClinVar variation 2555518 (VCV002555518.4), dbSNP rs1257292184, ClinGen allele CA365184556.
Genomic context (GRCh38, chr6:107,906,733, plus strand): 5'-TTAGCCTAACCTGTGGTATTAGAATATTATCCGTTGGTCTGCTTGTGGCATCTTTATTAT[A>G]CTGAGGATCAAATTCAGAAGCTCCAGCCAAAACCATGATAAGACCTAACAAAACAAAAGA-3'
Protein context (NP_009145.1, residues 250-270): LAGASEFDPQ[Tyr260His]NKDATSRPTD

ClinVar aggregate classification (germline): Uncertain significance. Review status: criteria provided, multiple submitters, no conflicts (2 of 4 stars). 2 submissions from 2 submitters: Uncertain significance (2). Last evaluated 2025-01-06.

Conditions:
Inborn genetic diseases. Identifiers: MedGen C0950123, MeSH D030342.

Allele frequency attached by ClinVar (database versions not stated): gnomAD 0.00001; gnomAD exomes 0.00001; TOPMed 0.00001.
gnomAD v4.1: 9 of 1,613,886 alleles (0.00056%); highest among the groups gnomAD compares: Admixed American, 0.0017%; no homozygotes.

Submissions (2):

Labcorp Genetics (formerly Invitae), Labcorp
Classification: Uncertain significance. Last evaluated: 2025-01-06. Review status: criteria provided, single submitter. Criteria: Invitae Variant Classification Sherloc (09022015). Collection method: clinical testing. Allele origin: germline.
Comment: This sequence change replaces tyrosine, which is neutral and polar, with histidine, which is basic and polar, at codon 260 of the SEC63 protein (p.Tyr260His). This variant is present in population databases (no rsID available, gnomAD 0.003%). This variant has not been reported in the literature in individuals affected with SEC63-related conditions. ClinVar contains an entry for this variant (Variation ID: 2555518). An algorithm developed to predict the effect of missense changes on protein structure and function (PolyPhen-2) suggests that this variant is likely to be tolerated. In summary, the available evidence is currently insufficient to determine the role of this variant in disease. Therefore, it has been classified as a Variant of Uncertain Significance.

Ambry Genetics
Classification: Uncertain significance for Inborn genetic diseases. Last evaluated: 2023-06-02. Review status: criteria provided, single submitter. Criteria: Ambry Variant Classification Scheme 2023. Collection method: clinical testing. Allele origin: germline.